The following is an entry in ClinVar:

ClinVar aggregate classification (germline): Uncertain significance (1 of 4 stars; one submission).

Conditions:
Hypokalemic periodic paralysis, type 1. Also called: Hypokalemic Periodic Paralysis Type 1 (AD); HypoPP. Identifiers: Orphanet 681, MedGen C3714580, MONDO:0042979, OMIM 170400.
Malignant hyperthermia, susceptibility to, 5 (MHS5). Also called: CACNA1S-Related Malignant Hyperthermia Susceptibility. Identifiers: Orphanet 423, MedGen C1866077, MONDO:0011163, OMIM 601887.

Submission:

Labcorp Genetics (formerly Invitae), Labcorp
Classification: Uncertain significance for Hypokalemic periodic paralysis, type 1; Malignant hyperthermia, susceptibility to, 5. Last evaluated: 2025-02-19. Review status: criteria provided, single submitter. Criteria: Invitae Variant Classification Sherloc (09022015). Collection method: clinical testing. Allele origin: germline.
Comment: This sequence change replaces serine, which is neutral and polar, with isoleucine, which is neutral and non-polar, at codon 755 of the CACNA1S protein (p.Ser755Ile). This variant is not present in population databases (gnomAD no frequency). This variant has not been reported in the literature in individuals affected with CACNA1S-related conditions. ClinVar contains an entry for this variant (Variation ID: 2041143). Invitae Evidence Modeling of protein sequence and biophysical properties (such as structural, functional, and spatial information, amino acid conservation, physicochemical variation, residue mobility, and thermodynamic stability) indicates that this missense variant is not expected to disrupt CACNA1S protein function with a negative predictive value of 95%. In summary, the available evidence is currently insufficient to determine the role of this variant in disease. Therefore, it has been classified as a Variant of Uncertain Significance.

NM_000069.3(CACNA1S):c.2264G>T (p.Ser755Ile)

Gene: CACNA1S (calcium voltage-gated channel subunit alpha1 S; minus strand). Cytogenetic location: 1q32.1.
Variant type: single nucleotide variant.
Coding change: c.2264G>T on transcript NM_000069.3 (MANE Select); coding-DNA position 2264, G replaced by T.
Protein change: p.Ser755Ile; replaces serine 755 with isoleucine.
Molecular consequence: missense variant.
Genome position (GRCh38, 1-based): chr1:201,070,368, C>A on the plus strand (G>T on the coding strand, the complement: CACNA1S is on the minus strand). VCF-style: chr1-201070368-C-A. GRCh37 (hg19) VCF-style: chr1-201039496-C-A.
Other names: short protein forms S755I.
Identifiers: ClinVar variation 2041143 (VCV002041143.4), dbSNP rs1661406035, ClinGen allele CA344109318.